The following is an entry in ClinVar:

ClinVar aggregate classification (germline): Uncertain significance (1 of 4 stars; one submission).

Conditions:
Atrial standstill 1 (ATRST1). Also called: Atrial standstill, digenic (GJA5/SCN5A); ATRIAL CARDIOMYOPATHY WITH HEART BLOCK; CARDIOMYOPATHY, FAMILIAL, WITH CONDUCTION DISTURBANCE. Identifiers: Orphanet 1344, MedGen C4551959, MONDO:0007171, OMIM 108770.
Atrial fibrillation, familial, 11 (ATFB11). Identifiers: MedGen C3279693, MONDO:0013544, OMIM 614049.

Submission:

Labcorp Genetics (formerly Invitae), Labcorp
Classification: Uncertain significance for Atrial fibrillation, familial, 11; Atrial standstill 1. Last evaluated: 2018-06-12. Review status: criteria provided, single submitter. Criteria: Invitae Variant Classification Sherloc (09022015). Collection method: clinical testing. Allele origin: germline.
Comment: Algorithms developed to predict the effect of missense changes on protein structure and function (SIFT, PolyPhen-2, Align-GVGD) all suggest that this variant is likely to be disruptive, but these predictions have not been confirmed by published functional studies and their clinical significance is uncertain. In summary, the available evidence is currently insufficient to determine the role of this variant in disease. Therefore, it has been classified as a Variant of Uncertain Significance. This sequence change replaces threonine with serine at codon 87 of the GJA5 protein (p.Thr87Ser). The threonine residue is highly conserved and there is a small physicochemical difference between threonine and serine. This variant is not present in population databases (ExAC no frequency). This variant has not been reported in the literature in individuals with GJA5-related disease.

NM_181703.4(GJA5):c.259A>T (p.Thr87Ser)

Gene: GJA5 (gap junction protein alpha 5; minus strand). Cytogenetic location: 1q21.2.
Variant type: single nucleotide variant.
Coding change: c.259A>T on transcript NM_181703.4 (MANE Select); coding-DNA position 259, A replaced by T.
Protein change: p.Thr87Ser; replaces threonine 87 with serine.
Molecular consequence: missense variant.
Genome position (GRCh38, 1-based): chr1:147,758,980, T>A on the plus strand (A>T on the coding strand, the complement: GJA5 is on the minus strand). VCF-style: chr1-147758980-T-A. GRCh37 (hg19) VCF-style: chr1-147231088-T-A.
Other names: c.259A>T, p.Thr87Ser (NM_005266.7); short protein forms T87S.
Identifiers: ClinVar variation 570545 (VCV000570545.8), dbSNP rs1557943770, ClinGen allele CA342397402.